The following is an entry in ClinVar:

NM_001377.3(DYNC2H1):c.8370G>A (p.Met2790Ile)

Gene: DYNC2H1 (dynein cytoplasmic 2 heavy chain 1; plus strand). Cytogenetic location: 11q22.3.
Variant type: single nucleotide variant.
Coding change: c.8370G>A on transcript NM_001377.3 (MANE Select); coding-DNA position 8370, G replaced by A.
Protein change: p.Met2790Ile; replaces methionine 2790 with isoleucine.
Molecular consequence: missense variant.
Genome position (GRCh38, 1-based): chr11:103,204,880, G>A. VCF-style: chr11-103204880-G-A. GRCh37 (hg19) VCF-style: chr11-103075609-G-A.
Other names: c.8370G>A, p.Met2790Ile (NM_001080463.2); short protein forms M2790I.
Identifiers: ClinVar variation 3368834 (VCV003368834.3).

ClinVar aggregate classification (germline): Conflicting classifications of pathogenicity. Review status: criteria provided, conflicting classifications (1 of 4 stars). 3 submissions from 3 submitters: Uncertain significance (2); Likely benign (1). Last evaluated 2024-07-30.

Conditions:
Inborn genetic diseases. Identifiers: MedGen C0950123, MeSH D030342.

gnomAD v4.1: 19 of 1,591,398 alleles (0.0012%); highest among the groups gnomAD compares: African/African-American, 0.023%; no homozygotes.

Submissions (3):

Ambry Genetics
Classification: Likely benign for Inborn genetic diseases. Last evaluated: 2024-07-30. Review status: criteria provided, single submitter. Criteria: Ambry Variant Classification Scheme 2023. Collection method: clinical testing. Allele origin: germline.

GeneDx
Classification: Uncertain significance. Last evaluated: 2024-03-20. Review status: criteria provided, single submitter. Criteria: GeneDx Variant Classification Process June 2021. Collection method: clinical testing. Allele origin: germline. Affected: yes.
Comment: In silico analysis supports that this missense variant does not alter protein structure/function; Has not been previously published as pathogenic or benign to our knowledge

Blueprint Genetics
Classification: Uncertain significance. Last evaluated: 2022-10-28. Review status: criteria provided, single submitter. Criteria: ACMG Guidelines, 2015. Collection method: clinical testing. Allele origin: germline.